The following is an entry in ClinVar:

ClinVar aggregate classification (germline): Conflicting classifications of pathogenicity. Review status: criteria provided, conflicting classifications (1 of 4 stars). 2 submissions from 2 submitters: Uncertain significance (1); Likely benign (1). Last evaluated 2022-06-03.

Conditions:
Inborn genetic diseases. Identifiers: MedGen C0950123, MeSH D030342.

Allele frequency attached by ClinVar (database versions not stated): gnomAD exomes 0.00003 and 0.00007; ExAC 0.00004; gnomAD 0.00005; TOPMed 0.00008.
gnomAD v4.1: 113 of 1,613,220 alleles (0.007%); highest among the groups gnomAD compares: Non-Finnish European, 0.0092%; no homozygotes.

Submissions (2):

Ambry Genetics
Classification: Likely benign for Inborn genetic diseases. Last evaluated: 2022-06-03. Review status: criteria provided, single submitter. Criteria: Ambry Variant Classification Scheme 2023. Collection method: clinical testing. Allele origin: germline.

GeneDx
Classification: Uncertain significance. Last evaluated: 2017-07-05. Review status: criteria provided, single submitter. Criteria: GeneDx Variant Classification (06012015). Collection method: clinical testing. Allele origin: germline. Affected: yes.
Comment: A variant of uncertain significance has been identified in the HCN2 gene. The G524E variant has not been published as a pathogenic variant, nor has it been reported as a benign variant to our knowledge. The G524E variant is observed in 5/65,876 (0.008%) alleles from individuals of European background (Lek et al., 2016; 1000 Genomes Consortium et al., 2015; Exome Variant Server). The G524E variant is a non-conservative amino acid substitution, which is likely to impact secondary protein structure as these residues differ in polarity, charge, size and/or other properties. This substitution occurs at a position that is conserved in mammals. In silico analysis is inconsistent in its predictions as to whether or not the variant is damaging to the protein structure/function. Based on the currently available information, it is unclear whether this variant is a pathogenic variant or a rare benign variant.

NM_001194.4(HCN2):c.1571G>A (p.Gly524Glu)

Gene: HCN2 (hyperpolarization activated cyclic nucleotide gated potassium and sodium channel 2; plus strand). Cytogenetic location: 19p13.3.
Variant type: single nucleotide variant.
Coding change: c.1571G>A on transcript NM_001194.4 (MANE Select); coding-DNA position 1571, G replaced by A.
Protein change: p.Gly524Glu; replaces glycine 524 with glutamic acid.
Molecular consequence: missense variant.
Genome position (GRCh38, 1-based): chr19:610,392, G>A. VCF-style: chr19-610392-G-A. GRCh37 (hg19) VCF-style: chr19-610392-G-A.
Other names: short protein forms G524E.
Identifiers: ClinVar variation 450172 (VCV000450172.4), dbSNP rs201057562, ClinGen allele CA9018499.